The following is an entry in ClinVar:

ClinVar aggregate classification (germline): Uncertain significance (1 of 4 stars; one submission).

Conditions:
Hereditary sensory and autonomic neuropathy type 6. Also called: Neuropathy, hereditary sensory and autonomic, type VI; HSAN VI. Identifiers: Orphanet 314381, MedGen C3539003, MONDO:0013839, OMIM 614653.
Epidermolysis bullosa simplex 3, localized or generalized intermediate, with BP230 deficiency (EBS3). Also called: Epidermolysis bullosa simplex, autosomal recessive 2; Epidermolysis bullosa simplex due to BP230 deficiency. Identifiers: Orphanet 412181, MedGen C3809470, MONDO:0014180, OMIM 615425.

Allele frequency attached by ClinVar (database versions not stated): ExAC 0.00002; gnomAD 0.00002 and 0.00003; gnomAD exomes 0.00002; TOPMed 0.00003; 1000 Genomes Project 0.00020; 1000 Genomes Project 30x 0.00031.
gnomAD v4.1: 44 of 1,614,098 alleles (0.0027%); highest among the groups gnomAD compares: Middle Eastern, 0.066%; 1 homozygote.

Submission:

Labcorp Genetics (formerly Invitae), Labcorp
Classification: Uncertain significance for Epidermolysis bullosa simplex 3, localized or generalized intermediate, with BP230 deficiency; Hereditary sensory and autonomic neuropathy type 6. Last evaluated: 2022-03-19. Review status: criteria provided, single submitter. Criteria: Invitae Variant Classification Sherloc (09022015). Collection method: clinical testing. Allele origin: germline.
Comment: This sequence change replaces valine, which is neutral and non-polar, with isoleucine, which is neutral and non-polar, at codon 2570 of the DST protein (p.Val2570Ile). This variant is present in population databases (rs568764176, gnomAD 0.01%). This variant has not been reported in the literature in individuals affected with DST-related conditions. ClinVar contains an entry for this variant (Variation ID: 1036472). Algorithms developed to predict the effect of missense changes on protein structure and function (SIFT, PolyPhen-2, Align-GVGD) all suggest that this variant is likely to be tolerated. In summary, the available evidence is currently insufficient to determine the role of this variant in disease. Therefore, it has been classified as a Variant of Uncertain Significance.

NM_001723.7(DST):c.7708G>A (p.Val2570Ile)

Gene: DST (dystonin; minus strand). Cytogenetic location: 6p12.1.
Variant type: single nucleotide variant.
Coding change: c.7708G>A on transcript NM_001723.7 (MANE Plus Clinical); coding-DNA position 7708, G replaced by A.
Protein change: p.Val2570Ile; replaces valine 2570 with isoleucine.
Molecular consequence: missense variant. On other transcripts: intron variant (10).
Genome position (GRCh38, 1-based): chr6:56,615,759, C>T on the plus strand (G>A on the coding strand, the complement: DST is on the minus strand). VCF-style: chr6-56615759-C-T. GRCh37 (hg19) VCF-style: chr6-56480557-C-T.
Other names: c.4831-1275G>A (NM_001144769.5); c.4930-1275G>A (NM_001374722.1, NM_001374736.1); c.4957-1275G>A (NM_001374734.1); c.4417-1275G>A (NM_001144770.2); c.4297-1275G>A (NM_001374730.1, NM_001386100.1, NM_183380.4 and 1 more transcripts); c.3319-1275G>A (NM_015548.5); short protein forms V2570I.
Identifiers: ClinVar variation 1036472 (VCV001036472.6), dbSNP rs568764176, ClinGen allele CA3869911.